The following is an entry in ClinVar:

NM_004947.5(DOCK3):c.1977C>T (p.Tyr659=)

Gene: DOCK3 (dedicator of cytokinesis 3; plus strand). Cytogenetic location: 3p21.2.
Variant type: single nucleotide variant.
Coding change: c.1977C>T on transcript NM_004947.5 (MANE Select); coding-DNA position 1977, C replaced by T.
Protein change: p.Tyr659=; no amino-acid change (tyrosine 659 retained).
Molecular consequence: synonymous variant.
Genome position (GRCh38, 1-based): chr3:51,236,404, C>T. VCF-style: chr3-51236404-C-T. GRCh37 (hg19) VCF-style: chr3-51273835-C-T.
Identifiers: ClinVar variation 2653864 (VCV002653864.24), dbSNP rs1394354143, ClinGen allele CA433724351.
Genomic context (GRCh38, chr3:51,236,404, plus strand): 5'-GTTTCTGCAGGACATCTTAGATACACTCTTTGTGATTTTGGATGATAATACAGAGAAGTA[C>T]GGCCTGTTGGTTTTTCAGTCTCTGGTAAGTCACCTTCCTGACTCTTTACTTTTATTAATT-3'
Protein context (NP_004938.1, residues 649-669): FVILDDNTEK[Tyr659=]GLLVFQSLVF

ClinVar aggregate classification (germline): Likely benign (1 of 4 stars; one submission).

Allele frequency attached by ClinVar (database versions not stated): gnomAD 0.00001; gnomAD exomes 0.00001; TOPMed 0.00001.
gnomAD v4.1: 14 of 1,610,728 alleles (0.00087%); highest among the groups gnomAD compares: East Asian, 0.0045%; no homozygotes.

Submission:

CeGaT Center for Human Genetics Tuebingen
Classification: Likely benign. Last evaluated: 2026-02-01. Review status: criteria provided, single submitter. Criteria: CeGaT Center For Human Genetics Tuebingen Variant Classification Criteria Version 2. Collection method: clinical testing. Allele origin: germline. Affected: yes. Observed: 2 variant alleles.
Comment: DOCK3: BP4, BP7